The following is an entry in ClinVar:

NM_001164665.2(KIAA1549):c.5744C>T (p.Thr1915Met)

Gene: KIAA1549 (KIAA1549; minus strand). Cytogenetic location: 7q34.
Variant type: single nucleotide variant.
Coding change: c.5744C>T on transcript NM_001164665.2 (MANE Select); coding-DNA position 5744, C replaced by T.
Protein change: p.Thr1915Met; replaces threonine 1915 with methionine.
Molecular consequence: missense variant.
Genome position (GRCh38, 1-based): chr7:138,838,015, G>A on the plus strand (C>T on the coding strand, the complement: KIAA1549 is on the minus strand). VCF-style: chr7-138838015-G-A. GRCh37 (hg19) VCF-style: chr7-138522760-G-A.
Other names: c.5696C>T, p.Thr1899Met (NM_020910.3); c.5744C>T (NM_001164665.1); short protein forms T1899M, T1915M.
Identifiers: ClinVar variation 1505516 (VCV001505516.5), dbSNP rs374243471, ClinGen allele CA4505474.

ClinVar aggregate classification (germline): Uncertain significance. Review status: criteria provided, multiple submitters, no conflicts (2 of 4 stars). 3 submissions from 3 submitters: Uncertain significance (3). Last evaluated 2025-02-21.

Conditions:
Inborn genetic diseases. Identifiers: MedGen C0950123, MeSH D030342.

Allele frequency attached by ClinVar (database versions not stated): gnomAD exomes 0.00002 and 0.00003; ExAC 0.00004; gnomAD 0.00004 and 0.00005; TOPMed 0.00007; ESP Exome Variant Server 0.00008.
gnomAD v4.1: 37 of 1,610,140 alleles (0.0023%); highest among the groups gnomAD compares: Middle Eastern, 0.016%; no homozygotes.

Submissions (3):

Ambry Genetics
Classification: Uncertain significance for Inborn genetic diseases. Last evaluated: 2025-02-21. Review status: criteria provided, single submitter. Criteria: Ambry Variant Classification Scheme 2023. Collection method: clinical testing. Allele origin: germline.

Labcorp Genetics (formerly Invitae), Labcorp
Classification: Uncertain significance. Last evaluated: 2022-07-26. Review status: criteria provided, single submitter. Criteria: Invitae Variant Classification Sherloc (09022015). Collection method: clinical testing. Allele origin: germline.
Comment: This sequence change replaces threonine, which is neutral and polar, with methionine, which is neutral and non-polar, at codon 1915 of the KIAA1549 protein (p.Thr1915Met). The frequency data for this variant in the population databases is considered unreliable, as metrics indicate poor data quality at this position in the gnomAD database. This variant has not been reported in the literature in individuals affected with KIAA1549-related conditions. ClinVar contains an entry for this variant (Variation ID: 1505516). Algorithms developed to predict the effect of missense changes on protein structure and function are either unavailable or do not agree on the potential impact of this missense change (SIFT: "Deleterious"; PolyPhen-2: "Probably Damaging"; Align-GVGD: "Class C0"). In summary, the available evidence is currently insufficient to determine the role of this variant in disease. Therefore, it has been classified as a Variant of Uncertain Significance.

Blueprint Genetics
Classification: Uncertain significance. Last evaluated: 2022-02-25. Review status: criteria provided, single submitter. Criteria: ACMG Guidelines, 2015. Collection method: clinical testing. Allele origin: germline.